The following is an entry in ClinVar:

NM_000088.4(COL1A1):c.4005+4C>T

Gene: COL1A1 (collagen type I alpha 1 chain; minus strand). Cytogenetic location: 17q21.33.
Variant type: single nucleotide variant.
Coding change: c.4005+4C>T on transcript NM_000088.4 (MANE Select); 4 bases into the intron after coding-DNA position 4005, C replaced by T.
Molecular consequence: intron variant.
Genome position (GRCh38, 1-based): chr17:50,186,313, G>A on the plus strand (C>T on the coding strand, the complement: COL1A1 is on the minus strand). VCF-style: chr17-50186313-G-A. GRCh37 (hg19) VCF-style: chr17-48263674-G-A.
Identifiers: ClinVar variation 1211860 (VCV001211860.8), dbSNP rs528349466, ClinGen allele CA8644298.

ClinVar aggregate classification (germline): Conflicting classifications of pathogenicity. Review status: criteria provided, conflicting classifications (1 of 4 stars). 2 submissions from 2 submitters: Uncertain significance (1); Likely benign (1). Last evaluated 2025-03-06.

Conditions:
Osteogenesis imperfecta type I (OI1). Also called: Lobstein disease; OI, TYPE I; OSTEOGENESIS IMPERFECTA TARDA; OSTEOGENESIS IMPERFECTA WITH BLUE SCLERAE; Osteogenesis imperfecta type 1; Lobstein's Disease. Identifiers: Orphanet 216796, Orphanet 666, MedGen C0023931, MONDO:0008146, OMIM 166200. Disease mechanism: loss of function.

Allele frequency attached by ClinVar (database versions not stated): gnomAD exomes below 0.00001; TOPMed below 0.00001; ExAC 0.00001; gnomAD 0.00001; 1000 Genomes Project 30x 0.00016; 1000 Genomes Project 0.00020.
gnomAD v4.1: 7 of 1,614,024 alleles (0.00043%); highest among the groups gnomAD compares: African/African-American, 0.0013%; no homozygotes.

Submissions (2):

Labcorp Genetics (formerly Invitae), Labcorp
Classification: Uncertain significance for Osteogenesis imperfecta type I. Last evaluated: 2025-03-06. Review status: criteria provided, single submitter. Criteria: Invitae Variant Classification Sherloc (09022015). Collection method: clinical testing. Allele origin: germline.
Comment: This sequence change falls in intron 49 of the COL1A1 gene. It does not directly change the encoded amino acid sequence of the COL1A1 protein. It affects a nucleotide within the consensus splice site. This variant is present in population databases (rs528349466, gnomAD 0.007%). This variant has not been reported in the literature in individuals affected with COL1A1-related conditions. ClinVar contains an entry for this variant (Variation ID: 1211860). Variants that disrupt the consensus splice site are a relatively common cause of aberrant splicing (PMID: 17576681, 9536098). Algorithms developed to predict the effect of sequence changes on RNA splicing suggest that this variant is not likely to affect RNA splicing. In summary, the available evidence is currently insufficient to determine the role of this variant in disease. Therefore, it has been classified as a Variant of Uncertain Significance.

GeneDx
Classification: Likely benign. Last evaluated: 2019-12-03. Review status: criteria provided, single submitter. Criteria: GeneDx Variant Classification Process June 2021. Collection method: clinical testing. Allele origin: germline. Affected: yes.

Literature cited by the submitters: PubMed 17576681 (cited by Labcorp Genetics (formerly Invitae), Labcorp); PubMed 9536098 (cited by Labcorp Genetics (formerly Invitae), Labcorp).